The following is an entry in ClinVar:

NM_000535.7(PMS2):c.1478A>G (p.Asp493Gly)

Gene: PMS2 (PMS1 homolog 2, mismatch repair system component; minus strand). Cytogenetic location: 7p22.1.
Variant type: single nucleotide variant.
Coding change: c.1478A>G on transcript NM_000535.7 (MANE Select); coding-DNA position 1478, A replaced by G.
Protein change: p.Asp493Gly; replaces aspartic acid 493 with glycine.
Molecular consequence: missense variant. On other transcripts: non-coding transcript variant (1).
Genome position (GRCh38, 1-based): chr7:5,987,287, T>C on the plus strand (A>G on the coding strand, the complement: PMS2 is on the minus strand). VCF-style: chr7-5987287-T-C. GRCh37 (hg19) VCF-style: chr7-6026918-T-C.
Other names: c.1322A>G, p.Asp441Gly (NM_001406870.1, NM_001322006.2); c.1478A>G, p.Asp493Gly (NM_001406871.1, NM_001406872.1, NM_001322014.2); c.1310A>G, p.Asp437Gly (NM_001406874.1); c.1169A>G, p.Asp390Gly (NM_001406877.1, NM_001406875.1, NM_001406879.1 and 5 more transcripts); c.1160A>G, p.Asp387Gly (NM_001406876.1, NM_001406883.1, NM_001406903.1 and 2 more transcripts); c.1280A>G, p.Asp427Gly (NM_001406873.1); c.1154A>G, p.Asp385Gly (NM_001406884.1); c.1142A>G, p.Asp381Gly (NM_001406885.1); and 12 more; short protein forms D182G, D236G, D306G, D335G, D441G, D501G, D322G, D358G.
Identifiers: ClinVar variation 1773488 (VCV001773488.2), dbSNP rs2128729788, ClinGen allele CA366741839.

ClinVar aggregate classification (germline): Uncertain significance (1 of 4 stars; one submission).

Conditions:
Hereditary cancer-predisposing syndrome. Also called: Hereditary Cancer Syndrome; Hereditary neoplastic syndrome; Neoplastic Syndromes, Hereditary; Tumor predisposition. Identifiers: Orphanet 140162, MedGen C0027672, MeSH D009386, MONDO:0015356.

Submission:

Ambry Genetics
Classification: Uncertain significance for Hereditary cancer-predisposing syndrome. Last evaluated: 2021-09-29. Review status: criteria provided, single submitter. Criteria: Ambry Variant Classification Scheme 2023. Collection method: clinical testing. Allele origin: germline.
Comment: The p.D493G variant (also known as c.1478A>G), located in coding exon 11 of the PMS2 gene, results from an A to G substitution at nucleotide position 1478. The aspartic acid at codon 493 is replaced by glycine, an amino acid with similar properties. This amino acid position is well conserved in available vertebrate species. In addition, this alteration is predicted to be tolerated by in silico analysis. Since supporting evidence is limited at this time, the clinical significance of this alteration remains unclear.